The following is an entry in ClinVar:

NM_001290060.2(SEMA3B):c.1938C>G (p.Ala646=)

Gene: SEMA3B (semaphorin 3B; plus strand). Cytogenetic location: 3p21.31.
Variant type: single nucleotide variant.
Coding change: c.1938C>G on transcript NM_001290060.2 (MANE Select); coding-DNA position 1938, C replaced by G.
Protein change: p.Ala646=; no amino-acid change (alanine 646 retained).
Molecular consequence: synonymous variant. On other transcripts: non-coding transcript variant (1).
Genome position (GRCh38, 1-based): chr3:50,276,394, C>G. VCF-style: chr3-50276394-C-G. GRCh37 (hg19) VCF-style: chr3-50313825-C-G.
Other names: c.1935C>G, p.Ala645= (NM_001005914.3); c.1953C>G, p.Ala651= (NM_001290061.1); c.909C>G, p.Ala303= (NM_001290062.2, NM_001290063.2); c.1938C>G, p.Ala646= (NM_004636.4).
Identifiers: ClinVar variation 3346222 (VCV003346222.1).

ClinVar aggregate classification (germline): Uncertain significance (0 of 4 stars; one submission).

Conditions:
SEMA3B-related disorder. Also called: SEMA3B-related condition.

Submission:

PreventionGenetics, part of Exact Sciences
Classification: Uncertain significance for SEMA3B-related condition. Last evaluated: 2024-07-16. Review status: no assertion criteria provided. Collection method: clinical testing. Allele origin: germline.
Comment: The SEMA3B c.1953C>G is a noncoding alteration. To our knowledge, this variant has not been reported in the literature or in a large population database, indicating this variant is rare. At this time, the clinical significance of this variant is uncertain due to the absence of conclusive functional and genetic evidence.